The following is an entry in ClinVar:

ClinVar aggregate classification (germline): Likely benign (1 of 4 stars; one submission).

Allele frequency attached by ClinVar (database versions not stated): gnomAD 0.01642 and 0.01757.
gnomAD v4.1: 446 of 27,264 alleles (1.6%); highest among the groups gnomAD compares: African/African-American, 4.8%; no homozygotes.

Submission:

GeneDx
Classification: Likely benign. Last evaluated: 2018-06-19. Review status: criteria provided, single submitter. Criteria: GeneDx Variant Classification (06012015). Collection method: clinical testing. Allele origin: germline. Affected: yes.
Comment: This variant is considered likely benign or benign based on one or more of the following criteria: it is a conservative change, it occurs at a poorly conserved position in the protein, it is predicted to be benign by multiple in silico algorithms, and/or has population frequency not consistent with disease.

NM_139276.3(STAT3):c.550+250C>A

Gene: STAT3 (signal transducer and activator of transcription 3; minus strand). Cytogenetic location: 17q21.2.
Variant type: single nucleotide variant.
Coding change: c.550+250C>A on transcript NM_139276.3 (MANE Select); 250 bases into the intron after coding-DNA position 550, C replaced by A.
Molecular consequence: intron variant.
Genome position (GRCh38, 1-based): chr17:42,338,481, G>T on the plus strand (C>A on the coding strand, the complement: STAT3 is on the minus strand). VCF-style: chr17-42338481-G-T. GRCh37 (hg19) VCF-style: chr17-40490499-G-T.
Other names: c.454+250C>A (NM_001384989.1); c.550+250C>A (NM_001384992.1, NM_001384984.1, NM_001369519.1 and 15 more transcripts); c.472+250C>A (NM_001384985.1).
Identifiers: ClinVar variation 677243 (VCV000677243.1), dbSNP rs868518205, ClinGen allele CA290743169.